The following is an entry in ClinVar:

NM_001242896.3(DEPDC5):c.3236C>T (p.Thr1079Ile)

Gene: DEPDC5 (DEP domain containing 5, GATOR1 subcomplex subunit; plus strand). Cytogenetic location: 22q12.3.
Variant type: single nucleotide variant.
Coding change: c.3236C>T on transcript NM_001242896.3 (MANE Select); coding-DNA position 3236, C replaced by T.
Protein change: p.Thr1079Ile; replaces threonine 1079 with isoleucine.
Molecular consequence: missense variant. On other transcripts: non-coding transcript variant (5).
Genome position (GRCh38, 1-based): chr22:31,857,525, C>T. VCF-style: chr22-31857525-C-T. GRCh37 (hg19) VCF-style: chr22-32253511-C-T.
Other names: c.3209C>T, p.Thr1070Ile (NM_001136029.4, NM_001369903.1, NM_014662.6); c.3002C>T, p.Thr1001Ile (NM_001242897.2, NM_001363854.2, NM_001364319.2); c.3236C>T, p.Thr1079Ile (NM_001363852.2, NM_001364318.2, NM_001364320.2); c.3152C>T, p.Thr1051Ile (NM_001369901.1, NM_001369902.1); short protein forms T1070I, T1079I, T1051I, T1001I.
Identifiers: ClinVar variation 2969658 (VCV002969658.3), dbSNP rs1033431542, ClinGen allele CA323353629.

ClinVar aggregate classification (germline): Uncertain significance (1 of 4 stars; one submission).

Conditions:
Familial focal epilepsy with variable foci (FPEVF). Identifiers: Orphanet 98820, MedGen C1858477, MONDO:0020310.

Allele frequency attached by ClinVar (database versions not stated): gnomAD 0.00001; gnomAD exomes 0.00001.
gnomAD v4.1: 11 of 1,611,732 alleles (0.00068%); highest among the groups gnomAD compares: East Asian, 0.0022%; no homozygotes.

Submission:

Labcorp Genetics (formerly Invitae), Labcorp
Classification: Uncertain significance for Familial focal epilepsy with variable foci. Last evaluated: 2023-10-08. Review status: criteria provided, single submitter. Criteria: Invitae Variant Classification Sherloc (09022015). Collection method: clinical testing. Allele origin: germline.
Comment: This sequence change replaces threonine, which is neutral and polar, with isoleucine, which is neutral and non-polar, at codon 1079 of the DEPDC5 protein (p.Thr1079Ile). The frequency data for this variant in the population databases is considered unreliable, as metrics indicate poor data quality at this position in the gnomAD database. This variant has not been reported in the literature in individuals affected with DEPDC5-related conditions. Experimental studies and prediction algorithms are not available or were not evaluated, and the functional significance of this variant is currently unknown. In summary, the available evidence is currently insufficient to determine the role of this variant in disease. Therefore, it has been classified as a Variant of Uncertain Significance.